The following is an entry in ClinVar:

ClinVar aggregate classification (germline): Benign (1 of 4 stars; one submission).

Allele frequency attached by ClinVar (database versions not stated): TOPMed 0.00129; gnomAD 0.00130; ESP Exome Variant Server 0.00138; 1000 Genomes Project 30x 0.00156; 1000 Genomes Project 0.00180; ExAC 0.00199; gnomAD exomes 0.00202.
gnomAD v4.1: 3,125 of 1,605,476 alleles (0.19%); highest among the groups gnomAD compares: Middle Eastern, 0.67%; 13 homozygotes.

Submission:

CeGaT Center for Human Genetics Tuebingen
Classification: Benign. Last evaluated: 2022-03-01. Review status: criteria provided, single submitter. Criteria: CeGaT Center For Human Genetics Tuebingen Variant Classification Criteria Version 2. Collection method: clinical testing. Allele origin: germline. Affected: yes. Observed: 1 variant allele.
Comment: MARK4: BS1, BS2

NM_001199867.2(MARK4):c.787-5T>C

Gene: MARK4 (microtubule affinity regulating kinase 4; plus strand). Cytogenetic location: 19q13.32.
Variant type: single nucleotide variant.
Coding change: c.787-5T>C on transcript NM_001199867.2 (MANE Select); 5 bases into the intron before coding-DNA position 787, T replaced by C.
Molecular consequence: intron variant.
Genome position (GRCh38, 1-based): chr19:45,277,918, T>C. VCF-style: chr19-45277918-T-C. GRCh37 (hg19) VCF-style: chr19-45781176-T-C.
Other names: c.787-5T>C (NM_031417.4).
Identifiers: ClinVar variation 2650097 (VCV002650097.24), dbSNP rs200509853, ClinGen allele CA9511013.
Genomic context (GRCh38, chr19:45,277,918, plus strand): 5'-TGTGTGTGTGTGTAATAGGTGGGGGGCGGGGCAGACCCCCTCCTCCAGTAACCCCATCCC[T>C]GCAGGAGCTGCGGGAGCGAGTACTCAGAGGGAAGTACCGGGTCCCTTTCTACATGTCAAC-3'